The following is an entry in ClinVar:

NM_017849.4(TMEM127):c.621G>A (p.Ala207=)

Gene: TMEM127 (transmembrane protein 127; minus strand). Cytogenetic location: 2q11.2.
Variant type: single nucleotide variant.
Coding change: c.621G>A on transcript NM_017849.4 (MANE Select); coding-DNA position 621, G replaced by A.
Protein change: p.Ala207=; no amino-acid change (alanine 207 retained).
Genome position (GRCh38, 1-based): chr2:96,253,904, C>T on the plus strand (G>A on the coding strand, the complement: TMEM127 is on the minus strand). VCF-style: chr2-96253904-C-T. GRCh37 (hg19) VCF-style: chr2-96919642-C-T.
Other names: p.Ala207=; c.621G>A, p.Ala207= (NM_001193304.3); c.621G>A (NM_001193304.2).
Identifiers: ClinVar variation 45824 (VCV000045824.32), dbSNP rs3852673, ClinGen allele CA137109.

ClinVar aggregate classification (germline): Benign. Review status: criteria provided, multiple submitters, no conflicts (2 of 4 stars). 14 submissions from 14 submitters: Benign (12). 2 of the submissions do not count toward it. Last evaluated 2026-07-30.

Conditions:
Hereditary cancer-predisposing syndrome. Also called: Hereditary neoplastic syndrome; Neoplastic Syndromes, Hereditary; Hereditary Cancer Syndrome; Tumor predisposition. Identifiers: Orphanet 140162, MedGen C0027672, MeSH D009386, MONDO:0015356.
Hereditary pheochromocytoma and paraganglioma. Also called: Hereditary Paraganglioma-Pheochromocytoma Syndromes; Hereditary pheochromocytoma-paraganglioma; Hereditary paragangliomas and pheochromocytomas. Identifiers: Orphanet 29072, MedGen C4274332, MONDO:0017366.
Pheochromocytoma. Also called: MAX-Related Hereditary Paraganglioma-Pheochromocytoma Syndrome. Identifiers: Orphanet 29072, MedGen C0031511, MONDO:0008233, OMIM 171300, HP:0002666.

Allele frequency attached by ClinVar (database versions not stated): ESP Exome Variant Server 0.13871; ExAC 0.16342; TOPMed 0.13330; gnomAD 0.14173 and 0.13717; gnomAD exomes 0.16305 and 0.17399; 1000 Genomes Project 30x 0.14054; 1000 Genomes Project 0.13938.
gnomAD v4.1: 276,344 of 1,613,928 alleles (17%); highest among the groups gnomAD compares: South Asian, 28%; 25,555 homozygotes.

Submissions (14):

Myriad Genetics, Inc.
Classification: Benign for Hereditary pheochromocytoma and paraganglioma. Last evaluated: 2026-07-30. Review status: criteria provided, single submitter. Criteria: Myriad Autosomal Dominant, Autosomal Recessive and X-Linked Classification Criteria (2023). Collection method: clinical testing. Allele origin: unknown.
Comment: This variant is considered benign. This variant is a silent/synonymous amino acid change and it is not expected to impact splicing.

Labcorp Genetics (formerly Invitae), Labcorp
Classification: Benign for Hereditary pheochromocytoma and paraganglioma. Last evaluated: 2026-02-04. Review status: criteria provided, single submitter. Criteria: Invitae Variant Classification Sherloc (09022015). Collection method: clinical testing. Allele origin: germline.

Blueprint Genetics
Classification: Benign. Last evaluated: 2024-11-26. Review status: criteria provided, single submitter. Criteria: ACMG Guidelines, 2015. Collection method: clinical testing. Allele origin: germline.

KCCC/NGS Laboratory, Kuwait Cancer Control Center
Classification: Benign for Pheochromocytoma. Last evaluated: 2023-07-07. Review status: criteria provided, single submitter. Criteria: ACMG Guidelines, 2015. Collection method: clinical testing. Allele origin: germline. Affected: yes.

Mayo Clinic Laboratories, Mayo Clinic
Classification: Benign. Last evaluated: 2018-09-18. Review status: criteria provided, single submitter. Criteria: ACMG Guidelines, 2015. Collection method: clinical testing. Allele origin: germline. Observed: 186 variant alleles.

Illumina Laboratory Services, Illumina
Classification: Benign for Pheochromocytoma. Last evaluated: 2018-01-12. Review status: criteria provided, single submitter. Criteria: ICSL Variant Classification Criteria 13 December 2019. Collection method: clinical testing. Allele origin: germline.
Comment: This variant was observed in the ICSL laboratory as part of a predisposition screen in an ostensibly healthy population. It had not been previously curated by ICSL or reported in the Human Gene Mutation Database (HGMD: prior to June 1st, 2018), and was therefore a candidate for classification through an automated scoring system. Utilizing variant allele frequency, disease prevalence and penetrance estimates, and inheritance mode, an automated score was calculated to assess if this variant is too frequent to cause the disease. Based on the score and internal cut-off values, a variant classified as benign is not then subjected to further curation. The score for this variant resulted in a classification of benign for this disease.

Women's Health and Genetics/Laboratory Corporation of America, LabCorp
Classification: Benign. Last evaluated: 2016-05-26. Review status: criteria provided, single submitter. Criteria: LabCorp Variant Classification Summary - May 2015. Collection method: clinical testing. Allele origin: germline.
Comment: Variant summary: The TMEM127 c.621G>A (p.Ala207Ala) variant involves the alteration of a non-conserved nucleotide, resulting in a synonymous change. One in silico tool predicts polymorphism outcome for this variant. 5/5 Alamut algorithms predict no significant change to normal splicing. This variant was found in 19810/121224 control chromosomes (1938 homozygotes) at a frequency of 0.1634165, which greatly exceeds the estimated maximal expected allele frequency of a pathogenic TMEM127 variant (0.0000001), suggesting this variant is likely a benign polymorphism. In addition, multiple clinical diagnostic laboratories/reputable databases classified this variant as Benign. Taken together and based on the high allele frequency in the general population, this variant is classified as Benign.

GeneDx
Classification: Benign. Last evaluated: 2015-03-03. Review status: criteria provided, single submitter. Criteria: GeneDx Variant Classification Process June 2021. Collection method: clinical testing. Allele origin: germline. Affected: yes.

Ambry Genetics
Classification: Benign for Hereditary cancer-predisposing syndrome. Last evaluated: 2014-11-18. Review status: criteria provided, single submitter. Criteria: Ambry Variant Classification Scheme 2023. Collection method: clinical testing. Allele origin: germline.

Laboratory for Molecular Medicine, Mass General Brigham Personalized Medicine
Classification: Benign. Last evaluated: 2012-12-21. Review status: criteria provided, single submitter. Criteria: LMM Criteria. Collection method: clinical testing. Allele origin: germline. Observed: 2 variant alleles.
Comment: Ala207Ala in exon 4 of TMEM127: This variant is not expected to have clinical si gnificance because it does not alter an amino acid residue and is not located wi thin the splice consensus sequence. It has been identified identified in 11.5% o f chromosomes from a broad, though clinically and racially unspecified populatio n by the 1000 Genomes project (dbSNP rs3852673). Ala207Ala in exon 4 of TMEM127 (rs3852673; allele frequency = 11.5%)

Breakthrough Genomics
Classification: Benign. Review status: criteria provided, single submitter. Criteria: ACMG Guidelines, 2015. Collection method: not provided. Allele origin: germline. Inheritance: Autosomal dominant inheritance. Affected: yes.

PreventionGenetics, part of Exact Sciences
Classification: Benign. Review status: criteria provided, single submitter. Criteria: ACMG Guidelines, 2015. Collection method: clinical testing. Allele origin: germline.

Genome Diagnostics Laboratory, University Medical Center Utrecht
Classification: Benign. Review status: no assertion criteria provided. Collection method: clinical testing. Allele origin: germline. Affected: yes. Study: VKGL Data-share Consensus. Not counted in ClinVar's aggregate classification.

Joint Genome Diagnostic Labs from Nijmegen and Maastricht, Radboudumc and MUMC+
Classification: Benign. Review status: no assertion criteria provided. Collection method: clinical testing. Allele origin: germline. Affected: yes. Study: VKGL Data-share Consensus. Not counted in ClinVar's aggregate classification.

Literature cited by the submitters: PubMed 20923864 (cited by Laboratory for Molecular Medicine, Mass General Brigham Personalized Medicine); PubMed 21613359 (cited by Laboratory for Molecular Medicine, Mass General Brigham Personalized Medicine).